The following is an entry in ClinVar:

NM_001166271.3(SPATA13):c.1154C>T (p.Ala385Val)

Gene: SPATA13 (spermatogenesis associated 13; plus strand). Cytogenetic location: 13q12.12.
Variant type: single nucleotide variant.
Coding change: c.1154C>T on transcript NM_001166271.3 (MANE Select); coding-DNA position 1154, C replaced by T.
Protein change: p.Ala385Val; replaces alanine 385 with valine.
Molecular consequence: missense variant. On other transcripts: intron variant (1).
Genome position (GRCh38, 1-based): chr13:24,224,083, C>T. VCF-style: chr13-24224083-C-T. GRCh37 (hg19) VCF-style: chr13-24798221-C-T.
Other names: c.1340C>T, p.Ala447Val (NM_001286792.2); c.-222-25394C>T (NM_153023.4); short protein forms A385V, A447V.
Identifiers: ClinVar variation 3044180 (VCV003044180.2), dbSNP rs11842597, ClinGen allele CA6913898.

ClinVar aggregate classification (germline): Benign (0 of 4 stars; one submission).

Conditions:
SPATA13-related disorder. Also called: SPATA13-related condition.

Allele frequency attached by ClinVar (database versions not stated): gnomAD exomes 0.00036; ExAC 0.00094; 1000 Genomes Project 0.00240; 1000 Genomes Project 30x 0.00265; gnomAD 0.00345; ESP Exome Variant Server 0.00394; TOPMed 0.00407.
gnomAD v4.1: 1,049 of 1,551,044 alleles (0.068%); highest among the groups gnomAD compares: African/African-American, 1.3%; 2 homozygotes.

Submission:

PreventionGenetics, part of Exact Sciences
Classification: Benign for SPATA13-related condition. Last evaluated: 2019-06-04. Review status: no assertion criteria provided. Collection method: clinical testing. Allele origin: germline.
Comment: This variant is classified as benign based on ACMG/AMP sequence variant interpretation guidelines (Richards et al. 2015 PMID: 25741868, with internal and published modifications).